The following is an entry in ClinVar:

ClinVar aggregate classification (germline): Uncertain significance (1 of 4 stars; one submission).

Conditions:
Familial adenomatous polyposis 1 (FAP1). Also called: FAMILIAL ADENOMATOUS POLYPOSIS 1, ATTENUATED; POLYPOSIS, ADENOMATOUS INTESTINAL. Identifiers: MedGen C2713442, MONDO:0021056, OMIM 175100. Disease mechanism: loss of function.

Submission:

Labcorp Genetics (formerly Invitae), Labcorp
Classification: Uncertain significance for Familial adenomatous polyposis 1. Last evaluated: 2024-01-19. Review status: criteria provided, single submitter. Criteria: Invitae Variant Classification Sherloc (09022015). Collection method: clinical testing. Allele origin: germline.
Comment: This sequence change replaces arginine, which is basic and polar, with isoleucine, which is neutral and non-polar, at codon 854 of the APC protein (p.Arg854Ile). This variant is not present in population databases (gnomAD no frequency). This variant has not been reported in the literature in individuals affected with APC-related conditions. ClinVar contains an entry for this variant (Variation ID: 1386466). Advanced modeling of protein sequence and biophysical properties (such as structural, functional, and spatial information, amino acid conservation, physicochemical variation, residue mobility, and thermodynamic stability) performed at Invitae indicates that this missense variant is not expected to disrupt APC protein function with a negative predictive value of 95%. In summary, the available evidence is currently insufficient to determine the role of this variant in disease. Therefore, it has been classified as a Variant of Uncertain Significance.

NM_000038.6(APC):c.2561G>T (p.Arg854Ile)

Gene: APC (APC regulator of Wnt signaling pathway; plus strand). Cytogenetic location: 5q22.2.
Variant type: single nucleotide variant.
Coding change: c.2561G>T on transcript NM_000038.6 (MANE Select); coding-DNA position 2561, G replaced by T.
Protein change: p.Arg854Ile; replaces arginine 854 with isoleucine.
Molecular consequence: missense variant.
Genome position (GRCh38, 1-based): chr5:112,838,155, G>T. VCF-style: chr5-112838155-G-T. GRCh37 (hg19) VCF-style: chr5-112173852-G-T.
Other names: c.2561G>T, p.Arg854Ile (NM_001127510.3, NM_001354895.2); c.2507G>T, p.Arg836Ile (NM_001127511.3); c.2615G>T, p.Arg872Ile (NM_001354896.2); c.2591G>T, p.Arg864Ile (NM_001354897.2); c.2486G>T, p.Arg829Ile (NM_001354898.2); c.2477G>T, p.Arg826Ile (NM_001354899.2); c.2438G>T, p.Arg813Ile (NM_001354900.2); c.2384G>T, p.Arg795Ile (NM_001354901.2); and 5 more; short protein forms R728I, R826I, R763I, R829I, R854I, R694I, R813I, R836I.
Identifiers: ClinVar variation 1386466 (VCV001386466.6), dbSNP rs1580623995, ClinGen allele CA16026946.